The following is an entry in ClinVar:

NM_002906.4(RDX):c.912G>A (p.Gln304=)

Gene: RDX (radixin; minus strand). Cytogenetic location: 11q22.3.
Variant type: single nucleotide variant.
Coding change: c.912G>A on transcript NM_002906.4 (MANE Select); coding-DNA position 912, G replaced by A.
Protein change: p.Gln304=; no amino-acid change (glutamine 304 retained).
Molecular consequence: synonymous variant. On other transcripts: intron variant (2).
Genome position (GRCh38, 1-based): chr11:110,253,993, C>T on the plus strand (G>A on the coding strand, the complement: RDX is on the minus strand). VCF-style: chr11-110253993-C-T. GRCh37 (hg19) VCF-style: chr11-110124718-C-T.
Other names: c.912G>A, p.Gln304= (NM_001260492.2, NM_001260493.2); c.504G>A, p.Gln168= (NM_001260494.2); c.-82-6160G>A (NM_001260495.2); c.404+4164G>A (NM_001260496.2).
Identifiers: ClinVar variation 3373727 (VCV003373727.1).
Genomic context (GRCh38, chr11:110,253,993, plus strand): 5'-ATAAACCCCATACCTTTCCAACTGCTTCTGATGTTTCTCCTCCCTAGCCTGAGCCTTCAT[C>T]TGTTGTACTTCAATAGTATCAGGCTTCCTTCTTCGCATGTATAGTTCATGGTTTCCCATA-3'
Protein context (NP_002897.1, residues 294-314): RRKPDTIEVQ[Gln304=]MKAQAREEKH

ClinVar aggregate classification (germline): Uncertain significance (1 of 4 stars; one submission).

Submission:

GeneDx
Classification: Uncertain significance. Last evaluated: 2024-03-06. Review status: criteria provided, single submitter. Criteria: GeneDx Variant Classification Process June 2021. Collection method: clinical testing. Allele origin: germline. Affected: yes.
Comment: Not observed at significant frequency in large population cohorts (gnomAD); In silico analysis supports that this variant does not alter splicing; Has not been previously published as pathogenic or benign to our knowledge